The following is an entry in ClinVar:

NM_004999.4(MYO6):c.3640C>T (p.Pro1214Ser)

Gene: MYO6 (myosin VI; plus strand). Cytogenetic location: 6q14.1.
Variant type: single nucleotide variant.
Coding change: c.3640C>T on transcript NM_004999.4 (MANE Select); coding-DNA position 3640, C replaced by T.
Protein change: p.Pro1214Ser; replaces proline 1214 with serine.
Molecular consequence: missense variant. On other transcripts: non-coding transcript variant (1).
Genome position (GRCh38, 1-based): chr6:75,914,263, C>T. VCF-style: chr6-75914263-C-T. GRCh37 (hg19) VCF-style: chr6-76623980-C-T.
Other names: c.3571C>T, p.Pro1191Ser (NM_001300899.2); c.3544C>T, p.Pro1182Ser (NM_001368136.1); c.3601C>T, p.Pro1201Ser (NM_001368137.1); c.3556C>T, p.Pro1186Ser (NM_001368138.1); c.3667C>T, p.Pro1223Ser (NM_001368865.1); c.3640C>T, p.Pro1214Ser (NM_001368866.1); short protein forms P1182S, P1186S, P1191S, P1201S, P1214S, P1223S.
Identifiers: ClinVar variation 3251790 (VCV003251790.1), dbSNP rs779683115.

ClinVar aggregate classification (germline): Uncertain significance (1 of 4 stars; one submission).

Allele frequency attached by ClinVar (database versions not stated): TOPMed below 0.00001; ExAC 0.00001; gnomAD 0.00001.
gnomAD v4.1: 5 of 1,614,050 alleles (0.00031%); highest among the groups gnomAD compares: African/African-American, 0.0013%; no homozygotes.

Submission:

Women's Health and Genetics/Laboratory Corporation of America, LabCorp
Classification: Uncertain significance. Last evaluated: 2024-04-23. Review status: criteria provided, single submitter. Criteria: LabCorp Variant Classification Summary - May 2015. Collection method: clinical testing. Allele origin: germline.
Comment: Variant summary: MYO6 c.3640C>T (p.Pro1214Ser) results in a non-conservative amino acid change located in the Myosin VI, cargo binding domain (IPR032412) of the encoded protein sequence. Five of five in-silico tools predict a damaging effect of the variant on protein function. The variant allele was found at a frequency of 4e-06 in 251454 control chromosomes. The available data on variant occurrences in the general population are insufficient to allow any conclusion about variant significance. To our knowledge, no occurrence of c.3640C>T in individuals affected with MYO6-Related Disorders and no experimental evidence demonstrating its impact on protein function have been reported. No submitters have cited clinical-significance assessments for this variant to ClinVar. Based on the evidence outlined above, the variant was classified as uncertain significance.